The following is an entry in ClinVar:

NM_014974.3(DIP2C):c.605-1199G>A

Gene: DIP2C (disco interacting protein 2 homolog C; minus strand). Cytogenetic location: 10p15.3.
Variant type: single nucleotide variant.
Coding change: c.605-1199G>A on transcript NM_014974.3 (MANE Select); 1199 bases into the intron before coding-DNA position 605, G replaced by A.
Molecular consequence: intron variant.
Genome position (GRCh38, 1-based): chr10:420,398, C>T on the plus strand (G>A on the coding strand, the complement: DIP2C is on the minus strand). VCF-style: chr10-420398-C-T. GRCh37 (hg19) VCF-style: chr10-466338-C-T.
Identifiers: ClinVar variation 4538343 (VCV004538343.1).

ClinVar aggregate classification (germline): Uncertain significance (1 of 4 stars; one submission).

Submission:

Greenwood Genetic Center Diagnostic Laboratories, Greenwood Genetic Center
Classification: Uncertain significance. Last evaluated: 2025-06-26. Review status: criteria provided, single submitter. Criteria: ACMG Guidelines, 2015. Collection method: clinical testing. Allele origin: germline. Affected: yes.
Comment: Gene of Uncertain Significance